The following is an entry in ClinVar:

ClinVar aggregate classification (germline): Conflicting classifications of pathogenicity. Review status: criteria provided, conflicting classifications (1 of 4 stars). 6 submissions from 6 submitters: Uncertain significance (3); Likely benign (2). 1 of the submissions does not count toward it. Last evaluated 2025-09-22.

Conditions:
Hereditary cancer-predisposing syndrome. Also called: Tumor predisposition; Hereditary Cancer Syndrome; Neoplastic Syndromes, Hereditary; Hereditary neoplastic syndrome. Identifiers: Orphanet 140162, MedGen C0027672, MeSH D009386, MONDO:0015356.
Hereditary breast ovarian cancer syndrome. Also called: Breast and ovarian cancer; Hereditary breast and ovarian cancer; Hereditary breast and ovarian cancer syndrome; BRCA1- and BRCA2-Associated Hereditary Breast and Ovarian Cancer; Hereditary breast and ovarian cancer syndrome (HBOC); Hereditary breast and/or ovarian cancer syndrome. Identifiers: Orphanet 145, MedGen C0677776, MeSH D061325, MONDO:0003582. Disease mechanism: loss of function.
Breast-ovarian cancer, familial, susceptibility to, 2 (BROVCA2). Also called: BRCA2 Hereditary Breast and Ovarian Cancer. Identifiers: Orphanet 145, MedGen C2675520, MONDO:0012933, OMIM 612555. Disease mechanism: loss of function.

Allele frequency attached by ClinVar (database versions not stated): TOPMed below 0.00001.

Submissions (6):

Labcorp Genetics (formerly Invitae), Labcorp
Classification: Uncertain significance for Hereditary breast ovarian cancer syndrome. Last evaluated: 2025-09-22. Review status: criteria provided, single submitter. Criteria: Invitae Variant Classification Sherloc (09022015). Collection method: clinical testing. Allele origin: germline.
Comment: This sequence change replaces asparagine, which is neutral and polar, with aspartic acid, which is acidic and polar, at codon 272 of the BRCA2 protein (p.Asn272Asp). This variant is not present in population databases (gnomAD no frequency). This variant has not been reported in the literature in individuals affected with BRCA2-related conditions. ClinVar contains an entry for this variant (Variation ID: 91503). Invitae Evidence Modeling of protein sequence and biophysical properties (such as structural, functional, and spatial information, amino acid conservation, physicochemical variation, residue mobility, and thermodynamic stability) indicates that this missense variant is not expected to disrupt BRCA2 protein function with a negative predictive value of 95%. In summary, the available evidence is currently insufficient to determine the role of this variant in disease. Therefore, it has been classified as a Variant of Uncertain Significance.

Color Diagnostics, LLC DBA Color Health
Classification: Uncertain significance for Hereditary cancer-predisposing syndrome. Last evaluated: 2023-12-05. Review status: criteria provided, single submitter. Criteria: ACMG Guidelines, 2015. Collection method: clinical testing. Allele origin: germline.
Comment: This missense variant replaces asparagine with aspartic acid at codon 272 of the BRCA2 protein. Computational prediction suggests that this variant may not impact protein structure and function (internally defined REVEL score threshold <= 0.5, PMID: 27666373). To our knowledge, functional studies have not been reported for this variant. This variant has not been reported in individuals affected with BRCA2-related disorders in the literature. This variant has not been identified in the general population by the Genome Aggregation Database (gnomAD). The available evidence is insufficient to determine the role of this variant in disease conclusively. Therefore, this variant is classified as a Variant of Uncertain Significance.

University of Washington Department of Laboratory Medicine, University of Washington
Classification: Likely benign for Hereditary cancer-predisposing syndrome. Last evaluated: 2023-03-23. Review status: criteria provided, single submitter. Criteria: Dines et al. (Genet Med. 2020). Collection method: curation. Allele origin: germline.
Comment: Missense variant in a coldspot region where missense variants are very unlikely to be pathogenic (PMID:31911673).

BRCA2 exon 10 coldspot. Reclassification based on statistical prior probability.

Ambry Genetics
Classification: Likely benign for Hereditary cancer-predisposing syndrome. Last evaluated: 2021-03-31. Review status: criteria provided, single submitter. Criteria: Ambry Variant Classification Scheme 2023. Collection method: clinical testing. Allele origin: germline.

GeneDx
Classification: Uncertain significance. Last evaluated: 2018-01-17. Review status: criteria provided, single submitter. Criteria: GeneDx Variant Classification (06012015). Collection method: clinical testing. Allele origin: germline. Affected: yes.
Comment: This variant is denoted BRCA2 c.814A>G at the cDNA level, p.Asn272Asp (N272D) at the protein level, and results in the change of an Asparagine to an Aspartic Acid (AAT>GAT). Using alternate nomenclature, this variant would be defined as BRCA2 1042A>G. This variant has not, to our knowledge, been published in the literature as pathogenic or benign. BRCA2 Asn272Asp was not observed in large population cohorts (Lek 2016). BRCA2 Asn272Asp is not located in a known functional domain. In silico analysis, which includes protein predictors and evolutionary conservation, supports that this variant does not alter protein structure/function. Based on currently available evidence, it is unclear whether BRCA2 Asn272Asp is a pathogenic or benign variant. We consider it to be a variant of uncertain significance.

Sharing Clinical Reports Project (SCRP)
Classification: Uncertain significance for Breast-ovarian cancer, familial 2. Last evaluated: 2010-10-05. Review status: no assertion criteria provided. Collection method: clinical testing. Allele origin: germline. Not counted in ClinVar's aggregate classification.

NM_000059.4(BRCA2):c.814A>G (p.Asn272Asp)

Gene: BRCA2 (BRCA2 DNA repair associated; plus strand). Cytogenetic location: 13q13.1.
Variant type: single nucleotide variant.
Coding change: c.814A>G on transcript NM_000059.4 (MANE Select); coding-DNA position 814, A replaced by G.
Protein change: p.Asn272Asp; replaces asparagine 272 with aspartic acid.
Molecular consequence: missense variant.
Genome position (GRCh38, 1-based): chr13:32,332,292, A>G. VCF-style: chr13-32332292-A-G. GRCh37 (hg19) VCF-style: chr13-32906429-A-G.
Other names: 1042A>G; short protein forms N272D.
Identifiers: ClinVar variation 91503 (VCV000091503.19), dbSNP rs398122598, ClinGen allele CA025472.